The following is an entry in ClinVar:

ClinVar aggregate classification (germline): Uncertain significance (1 of 4 stars; one submission).

Allele frequency attached by ClinVar (database versions not stated): TOPMed 0.00009; gnomAD 0.00011; ESP Exome Variant Server 0.00031.
gnomAD v4.1: 438 of 1,613,160 alleles (0.027%); highest among the groups gnomAD compares: Non-Finnish European, 0.034%; no homozygotes.

Submission:

Labcorp Genetics (formerly Invitae), Labcorp
Classification: Uncertain significance. Last evaluated: 2022-01-21. Review status: criteria provided, single submitter. Criteria: Invitae Variant Classification Sherloc (09022015). Collection method: clinical testing. Allele origin: germline.
Comment: This sequence change falls in intron 37 of the VPS13D gene. It does not directly change the encoded amino acid sequence of the VPS13D protein. It affects a nucleotide within the consensus splice site. This variant is present in population databases (rs377737437, gnomAD 0.02%). This variant has not been reported in the literature in individuals affected with VPS13D-related conditions. Variants that disrupt the consensus splice site are a relatively common cause of aberrant splicing (PMID: 17576681, 9536098). Algorithms developed to predict the effect of sequence changes on RNA splicing suggest that this variant is not likely to affect RNA splicing. In summary, the available evidence is currently insufficient to determine the role of this variant in disease. Therefore, it has been classified as a Variant of Uncertain Significance.

Literature cited by the submitters: PubMed 17576681; PubMed 9536098.

NM_015378.4(VPS13D):c.8288-3T>C

Gene: VPS13D (vacuolar protein sorting 13 homolog D; plus strand). Cytogenetic location: 1p36.22.
Variant type: single nucleotide variant.
Coding change: c.8288-3T>C on transcript NM_015378.4 (MANE Select); 3 bases into the intron before coding-DNA position 8288, T replaced by C.
Molecular consequence: intron variant.
Genome position (GRCh38, 1-based): chr1:12,333,223, T>C. VCF-style: chr1-12333223-T-C. GRCh37 (hg19) VCF-style: chr1-12393280-T-C.
Other names: c.8288-3T>C (NM_018156.4).
Identifiers: ClinVar variation 2052498 (VCV002052498.1), dbSNP rs377737437, ClinGen allele CA603083.
Genomic context (GRCh38, chr1:12,333,223, plus strand): 5'-AGTGTTCCCCTATAAACTCTTGATATCTGCTGAACAGATGTCTTATTTCCTGTGTTCTTT[T>C]AGGCTGGGAGCCATTTATTGAGCCTTGGCCATGCTCTGTATCCTGGCAACAGCAGGCAGC-3'